The following is an entry in ClinVar:

NM_004526.4(MCM2):c.1653G>A (p.Ala551=)

Gene: MCM2 (minichromosome maintenance complex component 2; plus strand). Cytogenetic location: 3q21.3.
Variant type: single nucleotide variant.
Coding change: c.1653G>A on transcript NM_004526.4 (MANE Select); coding-DNA position 1653, G replaced by A.
Protein change: p.Ala551=; no amino-acid change (alanine 551 retained).
Molecular consequence: synonymous variant. On other transcripts: non-coding transcript variant (1).
Genome position (GRCh38, 1-based): chr3:127,616,998, G>A. VCF-style: chr3-127616998-G-A. GRCh37 (hg19) VCF-style: chr3-127335841-G-A.
Identifiers: ClinVar variation 1318187 (VCV001318187.7), dbSNP rs182677955, ClinGen allele CA2595970.
Genomic context (GRCh38, chr3:127,616,998, plus strand): 5'-GTTTCTCAAGTATATTGAGAAAGTGTCCAGCCGAGCCATCTTCACCACTGGCCAGGGGGC[G>A]TCGGCTGTGGGCCTCACGGCGTATGTCCAGCGGCACCCTGTCAGCAGGGAGTGGACCTTG-3'
Protein context (NP_004517.2, residues 541-561): SRAIFTTGQG[Ala551=]SAVGLTAYVQ

ClinVar aggregate classification (germline): Likely benign. Review status: criteria provided, multiple submitters, no conflicts (2 of 4 stars). 3 submissions from 3 submitters: Likely benign (3). Last evaluated 2025-04-16.

Conditions:
MCM2-related disorder. Also called: MCM2-related condition.

Allele frequency attached by ClinVar (database versions not stated): gnomAD exomes 0.00004 and 0.00011; ExAC 0.00007; ESP Exome Variant Server 0.00015; gnomAD 0.00029 and 0.00030; TOPMed 0.00046; 1000 Genomes Project 0.00060; 1000 Genomes Project 30x 0.00078.
gnomAD v4.1: 101 of 1,614,194 alleles (0.0063%); highest among the groups gnomAD compares: African/African-American, 0.1%; no homozygotes.

Submissions (3):

PreventionGenetics, part of Exact Sciences
Classification: Likely benign for MCM2-related condition. Last evaluated: 2025-04-16. Review status: criteria provided, single submitter. Criteria: ACMG Guidelines, 2015. Collection method: clinical testing. Allele origin: germline.
Comment: This variant is classified as likely benign based on ACMG/AMP sequence variant interpretation guidelines (Richards et al. 2015 PMID: 25741868, with internal and published modifications).

Labcorp Genetics (formerly Invitae), Labcorp
Classification: Likely benign. Last evaluated: 2024-03-27. Review status: criteria provided, single submitter. Criteria: Invitae Variant Classification Sherloc (09022015). Collection method: clinical testing. Allele origin: germline.

GeneDx
Classification: Likely benign. Last evaluated: 2020-02-13. Review status: criteria provided, single submitter. Criteria: GeneDx Variant Classification Process June 2021. Collection method: clinical testing. Allele origin: germline. Affected: yes.